The following is an entry in ClinVar:

ClinVar aggregate classification (germline): Uncertain significance (1 of 4 stars; one submission).

Conditions:
Spondylodysplastic Ehlers-Danlos syndrome. Identifiers: Orphanet 536471, Orphanet 75496, MedGen C5680154, MONDO:0007526.

Allele frequency attached by ClinVar (database versions not stated): TOPMed below 0.00001.
gnomAD v4.1: 2 of 1,613,680 alleles (0.00012%); highest among the groups gnomAD compares: Non-Finnish European, 0.00017%; no homozygotes.

Submission:

Labcorp Genetics (formerly Invitae), Labcorp
Classification: Uncertain significance for Spondylodysplastic Ehlers-Danlos syndrome. Last evaluated: 2021-09-17. Review status: criteria provided, single submitter. Criteria: Invitae Variant Classification Sherloc (09022015). Collection method: clinical testing. Allele origin: germline.
Comment: This sequence change replaces methionine with arginine at codon 313 of the B4GALT7 protein (p.Met313Arg). The methionine residue is weakly conserved and there is a moderate physicochemical difference between methionine and arginine. This variant is not present in population databases (ExAC no frequency). This variant has not been reported in the literature in individuals affected with B4GALT7-related conditions. Algorithms developed to predict the effect of missense changes on protein structure and function are either unavailable or do not agree on the potential impact of this missense change (SIFT: "Deleterious"; PolyPhen-2: "Benign"; Align-GVGD: "Class C0"). Algorithms developed to predict the effect of sequence changes on RNA splicing suggest that this variant may create or strengthen a splice site. In summary, the available evidence is currently insufficient to determine the role of this variant in disease. Therefore, it has been classified as a Variant of Uncertain Significance.

NM_007255.3(B4GALT7):c.938T>G (p.Met313Arg)

Gene: B4GALT7 (beta-1,4-galactosyltransferase 7; plus strand). Cytogenetic location: 5q35.3.
Variant type: single nucleotide variant.
Coding change: c.938T>G on transcript NM_007255.3 (MANE Select); coding-DNA position 938, T replaced by G.
Protein change: p.Met313Arg; replaces methionine 313 with arginine.
Molecular consequence: missense variant.
Genome position (GRCh38, 1-based): chr5:177,609,649, T>G. VCF-style: chr5-177609649-T-G. GRCh37 (hg19) VCF-style: chr5-177036650-T-G.
Other names: short protein forms M313R.
Identifiers: ClinVar variation 1477534 (VCV001477534.5), dbSNP rs757174910, ClinGen allele CA362377660.